The following is an entry in ClinVar:

NM_000414.4(HSD17B4):c.673C>T (p.Leu225Phe)

Gene: HSD17B4 (hydroxysteroid 17-beta dehydrogenase 4; plus strand). Cytogenetic location: 5q23.1.
Variant type: single nucleotide variant.
Coding change: c.673C>T on transcript NM_000414.4 (MANE Select); coding-DNA position 673, C replaced by T.
Protein change: p.Leu225Phe; replaces leucine 225 with phenylalanine.
Molecular consequence: missense variant. On other transcripts: non-coding transcript variant (2).
Genome position (GRCh38, 1-based): chr5:119,489,242, C>T. VCF-style: chr5-119489242-C-T. GRCh37 (hg19) VCF-style: chr5-118824937-C-T.
Other names: c.748C>T, p.Leu250Phe (NM_001199291.3); c.619C>T, p.Leu207Phe (NM_001199292.2); c.601C>T, p.Leu201Phe (NM_001292027.2); c.253C>T, p.Leu85Phe (NM_001292028.2); c.664C>T, p.Leu222Phe (NM_001374497.1); c.673C>T, p.Leu225Phe (NM_001374498.1); c.346C>T, p.Leu116Phe (NM_001374499.1); c.232C>T, p.Leu78Phe (NM_001374500.1); and 1 more; short protein forms L250F, L78F, L201F, L85F, L88F, L225F, L116F, L207F.
Identifiers: ClinVar variation 1029245 (VCV001029245.3), dbSNP rs1749881286, ClinGen allele CA360866969.

ClinVar aggregate classification (germline): Uncertain significance. Review status: criteria provided, multiple submitters, no conflicts (2 of 4 stars). 2 submissions from 2 submitters: Uncertain significance (2). Last evaluated 2024-03-17.

Conditions:
Bifunctional peroxisomal enzyme deficiency (DBIF). Also called: D-bifunctional protein deficiency; PBFE DEFICIENCY; DBP DEFICIENCY. Identifiers: Orphanet 300, MedGen C0342870, MONDO:0009855, OMIM 261515. Disease mechanism: loss of function.
Perrault syndrome 1 (PRLTS1). Also called: GONADAL DYSGENESIS, XX TYPE, WITH DEAFNESS; OVARIAN DYSGENESIS WITH SENSORINEURAL DEAFNESS. Identifiers: Orphanet 2855, Orphanet 642945, MedGen C4551721, MONDO:0009300, OMIM 233400.

Submissions (2):

Genomic Medicine Center of Excellence, King Faisal Specialist Hospital and Research Centre
Classification: Uncertain significance for Perrault syndrome 1. Last evaluated: 2024-03-17. Review status: criteria provided, single submitter. Criteria: ACMG Guidelines, 2015. Collection method: research. Allele origin: germline.

Baylor Genetics
Classification: Uncertain significance for Bifunctional peroxisomal enzyme deficiency. Last evaluated: 2020-05-05. Review status: criteria provided, single submitter. Criteria: ACMG Guidelines, 2015. Collection method: clinical testing. Allele origin: unknown. Affected: yes.
Comment: This variant was determined to be of uncertain significance according to ACMG Guidelines, 2015 [PMID:25741868].